The following is an entry in ClinVar:

ClinVar aggregate classification (germline): Conflicting classifications of pathogenicity. Review status: criteria provided, conflicting classifications (1 of 4 stars). 9 submissions from 9 submitters: Uncertain significance (5); Likely benign (3). 1 of the submissions does not count toward it. Last evaluated 2026-01-15.

Conditions:
VHL-related disorder. Also called: VHL-related condition.
Chuvash polycythemia. Also called: POLYCYTHEMIA, VHL-DEPENDENT. Identifiers: Orphanet 238557, MedGen C1837915, MONDO:0009892, OMIM 263400.
Von Hippel-Lindau syndrome (VHLS). Also called: Von Hippel-Lindau; von Hippel–Lindau syndrome; VHL syndrome. Identifiers: Orphanet 892, MedGen C0019562, MONDO:0008667, OMIM 193300. Disease mechanism: loss of function.
Hereditary cancer-predisposing syndrome. Also called: Neoplastic Syndromes, Hereditary; Tumor predisposition; Hereditary Cancer Syndrome; Hereditary neoplastic syndrome. Identifiers: Orphanet 140162, MedGen C0027672, MeSH D009386, MONDO:0015356.
Nonpapillary renal cell carcinoma. Identifiers: Orphanet 422526, MedGen CN074294, MONDO:0007763, OMIM 144700.
Pheochromocytoma. Also called: MAX-Related Hereditary Paraganglioma-Pheochromocytoma Syndrome. Identifiers: Orphanet 29072, MedGen C0031511, MONDO:0008233, OMIM 171300, HP:0002666.

Allele frequency attached by ClinVar (database versions not stated): gnomAD 0.00001; gnomAD exomes 0.00001; TOPMed 0.00002.

Submissions (9):

PreventionGenetics, part of Exact Sciences
Classification: Uncertain significance for VHL-related condition. Last evaluated: 2026-01-15. Review status: criteria provided, single submitter. Criteria: ACMG Guidelines, 2015. Collection method: clinical testing. Allele origin: germline.
Comment: The VHL c.1A>T variant is predicted to disrupt the translation initiation site (Start loss). To our knowledge, this variant has not been reported in the literature. However, other start loss variants have been reported in an exome sequencing study of the UK Biobank (c.1A>G, p.Met1Val without detailed clinical phenotypes in Supplementary Table 28 of Van Hout et al. 2020. PubMed ID: 33087929), and in a population-based study of genetic predisposition to cancer (c.3G>T, p.Met1Ile in Online Table S2 of Saad et al. 2022. PubMed ID: 35150601). Start loss variants have also been reported in individuals with VHL-related cancers (c.3G>A, p.Met1Ile in Christensen et al. 2019. PubMed ID: 31034483; c.3G>T, p.Met1Ile in Supplementary Table 2 of Chan et al. 2018. PubMed ID: 30093976 and eTable 5 of Mirabello et al. 2020. PubMed ID: 32191290). The next in-frame methionine is located at codon 54, which has been shown to be biologically active and to be similar to the full-length, wild-type protein (Schoenfeld et al. 1998. PubMed ID: 9671762). This variant has conflicting interpretations in ClinVar ranging from uncertain to likely benign (Variation ID: 411967). This variant is reported in 0.0020% of alleles in individuals of European (Non-Finnish) descent in gnomAD. At this time, the clinical significance of this variant is uncertain due to the absence of conclusive functional and genetic evidence.

Labcorp Genetics (formerly Invitae), Labcorp
Classification: Uncertain significance for Von Hippel-Lindau syndrome; Chuvash polycythemia. Last evaluated: 2025-12-17. Review status: criteria provided, single submitter. Criteria: Invitae Variant Classification Sherloc (09022015). Collection method: clinical testing. Allele origin: germline.
Comment: This sequence change affects the initiator codon of the VHL mRNA. This change may impact translation initiation or efficiency. The next in-frame methionine is located at codon 54. It is unclear whether it will result in an absent or disrupted protein product because an in-frame methionine located at codon 54 has the potential to rescue this variant. This variant is present in population databases (no rsID available, gnomAD 0.002%). This variant has not been reported in the literature in individuals affected with VHL-related conditions. ClinVar contains an entry for this variant (Variation ID: 411967). Several studies have shown that the VHL protein created from a downstream methionine located at codon 54 is biologically active, and exhibits properties similar to the full-length, wild-type protein (PMID: 9671762, 9751722). In summary, the available evidence is currently insufficient to determine the role of this variant in disease. Therefore, it has been classified as a Variant of Uncertain Significance.

Color Diagnostics, LLC DBA Color Health
Classification: Likely benign for Von Hippel-Lindau syndrome. Last evaluated: 2025-07-05. Review status: criteria provided, single submitter. Criteria: ACMG Guidelines, 2015. Collection method: clinical testing. Allele origin: germline.

GeneDx
Classification: Uncertain significance. Last evaluated: 2025-03-14. Review status: criteria provided, single submitter. Criteria: GeneDx Variant Classification Process June 2021. Collection method: clinical testing. Allele origin: germline. Affected: yes.
Comment: Initiation codon variant in a gene for which a downstream in-frame ATG produces an alternate clinically-relevant isoform, pVHL19, that may result in a functional protein (PMID: 9751722, 10102622, 9671762); Has not been previously published as pathogenic or benign to our knowledge; Not observed at significant frequency in large population cohorts (gnomAD); This variant is associated with the following publications: (PMID: 9751722, 10102622, 26211615, 23541568, 9671762)

Myriad Genetics, Inc.
Classification: Likely benign for Von Hippel-Lindau syndrome. Last evaluated: 2024-08-20. Review status: criteria provided, single submitter. Criteria: Myriad Autosomal Dominant, Autosomal Recessive and X-Linked Classification Criteria (2023). Collection method: clinical testing. Allele origin: unknown.
Comment: This variant is considered likely benign. This variant has been observed at a population frequency that is significantly greater than expected given the associated disease prevalence and penetrance.

Fulgent Genetics
Classification: Uncertain significance for Nonpapillary renal cell carcinoma; Pheochromocytoma; Von Hippel-Lindau syndrome; Chuvash polycythemia. Last evaluated: 2024-04-03. Review status: criteria provided, single submitter. Criteria: ACMG Guidelines, 2015. Collection method: clinical testing. Allele origin: germline.

Institute for Genomic Medicine (IGM) Clinical Laboratory, Nationwide Children's Hospital
Classification: Uncertain significance for Von Hippel-Lindau syndrome. Last evaluated: 2023-02-16. Review status: criteria provided, single submitter. Criteria: ACMG Guidelines, 2015. Collection method: clinical testing. Allele origin: germline.
Comment: This variant is predicted to result in an in-frame insertion or deletion in a non-repetitive region (ACMG/AMP: PM4; PMIDs:9671762, 9751722, 10102622, 23541568, 26211615).

Ambry Genetics
Classification: Likely benign for Hereditary cancer-predisposing syndrome. Last evaluated: 2021-10-14. Review status: criteria provided, single submitter. Criteria: Ambry Variant Classification Scheme 2023. Collection method: clinical testing. Allele origin: germline.

Counsyl
Classification: Uncertain significance for Von Hippel-Lindau syndrome. Last evaluated: 2018-03-01. Review status: no assertion criteria provided. Collection method: clinical testing. Allele origin: unknown. Not counted in ClinVar's aggregate classification.

Literature cited by the submitters: PubMed 9671762 (cited by 3 submitters); PubMed 9751722 (cited by 3 submitters); PubMed 10102622 (cited by Institute for Genomic Medicine (IGM) Clinical Laboratory, Nationwide Children's Hospital); PubMed 23541568 (cited by Institute for Genomic Medicine (IGM) Clinical Laboratory, Nationwide Children's Hospital); PubMed 26211615 (cited by Institute for Genomic Medicine (IGM) Clinical Laboratory, Nationwide Children's Hospital).

NM_000551.4(VHL):c.1A>T (p.Met1Leu)

Gene: VHL (von Hippel-Lindau tumor suppressor; plus strand). Cytogenetic location: 3p25.3.
Variant type: single nucleotide variant.
Coding change: c.1A>T on transcript NM_000551.4 (MANE Select); coding-DNA position 1, A replaced by T.
Protein change: p.Met1Leu; changes the start codon (methionine 1).
Molecular consequence: missense variant, initiator codon variant.
Genome position (GRCh38, 1-based): chr3:10,141,848, A>T. VCF-style: chr3-10141848-A-T. GRCh37 (hg19) VCF-style: chr3-10183532-A-T.
Other names: c.1A>T, p.Met1Leu (NM_001354723.2, NM_198156.3); short protein forms M1L.
Identifiers: ClinVar variation 411967 (VCV000411967.25), dbSNP rs1060503557, ClinGen allele CA16611052.